The following is an entry in ClinVar:

ClinVar aggregate classification (germline): Uncertain significance. Review status: criteria provided, multiple submitters, no conflicts (2 of 4 stars). 2 submissions from 2 submitters: Uncertain significance (2). Last evaluated 2025-05-16.

Conditions:
SIM1-related disorder. Also called: SIM1-related condition; SIM1-related disorders.

Submissions (2):

PreventionGenetics, part of Exact Sciences
Classification: Uncertain significance for SIM1-related condition. Last evaluated: 2025-05-16. Review status: criteria provided, single submitter. Criteria: ACMG Guidelines, 2015. Collection method: clinical testing. Allele origin: germline.
Comment: The SIM1 c.122C>A variant is predicted to result in the amino acid substitution p.Ser41Tyr. To our knowledge, this variant has not been reported in the literature or in a large population database, indicating this variant is rare. At this time, the clinical significance of this variant is uncertain due to the absence of conclusive functional and genetic evidence.

GeneDx
Classification: Uncertain significance. Last evaluated: 2025-03-07. Review status: criteria provided, single submitter. Criteria: GeneDx Variant Classification Process June 2021. Collection method: clinical testing. Allele origin: germline. Affected: yes.
Comment: Not observed at significant frequency in large population cohorts (gnomAD); In silico analysis supports that this missense variant has a deleterious effect on protein structure/function; Has not been previously published as pathogenic or benign to our knowledge

NM_005068.3(SIM1):c.122C>A (p.Ser41Tyr)

Gene: SIM1 (SIM bHLH transcription factor 1; minus strand). Cytogenetic location: 6q16.3.
Variant type: single nucleotide variant.
Coding change: c.122C>A on transcript NM_005068.3 (MANE Select); coding-DNA position 122, C replaced by A.
Protein change: p.Ser41Tyr; replaces serine 41 with tyrosine.
Molecular consequence: missense variant.
Genome position (GRCh38, 1-based): chr6:100,463,347, G>T on the plus strand (C>A on the coding strand, the complement: SIM1 is on the minus strand). VCF-style: chr6-100463347-G-T. GRCh37 (hg19) VCF-style: chr6-100911223-G-T.
Other names: c.122C>A, p.Ser41Tyr (NM_001374769.1); short protein forms S41Y.
Identifiers: ClinVar variation 4082862 (VCV004082862.2).